The following is an entry in ClinVar:

NM_004525.3(LRP2):c.4435C>A (p.Arg1479Ser)

Gene: LRP2 (LDL receptor related protein 2; minus strand). Cytogenetic location: 2q31.1.
Variant type: single nucleotide variant.
Coding change: c.4435C>A on transcript NM_004525.3 (MANE Select); coding-DNA position 4435, C replaced by A.
Protein change: p.Arg1479Ser; replaces arginine 1479 with serine.
Molecular consequence: missense variant.
Genome position (GRCh38, 1-based): chr2:169,238,162, G>T on the plus strand (C>A on the coding strand, the complement: LRP2 is on the minus strand). VCF-style: chr2-169238162-G-T. GRCh37 (hg19) VCF-style: chr2-170094672-G-T.
Other names: short protein forms R1479S.
Identifiers: ClinVar variation 3251117 (VCV003251117.19), dbSNP rs760099721.
Genomic context (GRCh38, chr2:169,238,162, plus strand): 5'-CCGTTCCATTTTGAAACGCACTCCAGGTTTTACCCTGAGTTGCATCAGACCAAAAGATAC[G>T]ACCACTAATTGAATCAAAATCAACAGCTACAATGTAAGAACCATTCTCGACCAATGAATA-3'
Protein context (NP_004516.2, residues 1469-1489): VAVDFDSISG[Arg1479Ser]IFWSDATQGK

ClinVar aggregate classification (germline): Uncertain significance. Review status: criteria provided, multiple submitters, no conflicts (2 of 4 stars). 2 submissions from 2 submitters: Uncertain significance (2). Last evaluated 2024-06-01.

Conditions:
Donnai-Barrow syndrome. Also called: DBS/FOAR SYNDROME; FACIOOCULOACOUSTICORENAL SYNDROME. Identifiers: Orphanet 2143, MedGen C1857277, MONDO:0009104, OMIM 222448.

gnomAD v4.1: 1 of 1,614,064 alleles (0.000062%); highest among the groups gnomAD compares: East Asian, 0.0022%; no homozygotes.

Submissions (2):

CeGaT Center for Human Genetics Tuebingen
Classification: Uncertain significance. Last evaluated: 2024-06-01. Review status: criteria provided, single submitter. Criteria: CeGaT Center For Human Genetics Tuebingen Variant Classification Criteria Version 2. Collection method: clinical testing. Allele origin: germline. Affected: yes. Observed: 1 variant allele.
Comment: LRP2: PM2

Juno Genomics, Hangzhou Juno Genomics, Inc
Classification: Uncertain significance for Donnai-Barrow syndrome. Review status: criteria provided, single submitter. Criteria: ACMG Guidelines, 2015. Collection method: clinical testing. Allele origin: germline.
Comment: Missense variant in a gene that has a low rate of benign missense variation.;Multiple lines of computational evidence support a deleterious effect on the gene or gene product.;Absent from controls (or at extremely low frequency if recessive) in Genome Aggregation Database.